The following is an entry in ClinVar:

NM_000286.3(PEX12):c.1006C>T (p.His336Tyr)

Gene: PEX12 (peroxisomal biogenesis factor 12; minus strand). Cytogenetic location: 17q12.
Variant type: single nucleotide variant.
Coding change: c.1006C>T on transcript NM_000286.3 (MANE Select); coding-DNA position 1006, C replaced by T.
Protein change: p.His336Tyr; replaces histidine 336 with tyrosine.
Molecular consequence: missense variant.
Genome position (GRCh38, 1-based): chr17:35,575,856, G>A on the plus strand (C>T on the coding strand, the complement: PEX12 is on the minus strand). VCF-style: chr17-35575856-G-A. GRCh37 (hg19) VCF-style: chr17-33902875-G-A.
Other names: short protein forms H336Y.
Identifiers: ClinVar variation 1415629 (VCV001415629.6), dbSNP rs2142228771, ClinGen allele CA399136913.

ClinVar aggregate classification (germline): Uncertain significance (1 of 4 stars; one submission).

Conditions:
Peroxisome biogenesis disorder 3A (Zellweger). Also called: PEROXISOMAL BIOGENESIS DISORDER 3A (ZELLWEGER); Peroxisome biogenesis disorder 3A. Identifiers: Orphanet 912, MedGen C3553929, MONDO:0013927, OMIM 614859.

Submission:

Labcorp Genetics (formerly Invitae), Labcorp
Classification: Uncertain significance for Peroxisome biogenesis disorder 3A (Zellweger). Last evaluated: 2022-03-02. Review status: criteria provided, single submitter. Criteria: Invitae Variant Classification Sherloc (09022015). Collection method: clinical testing. Allele origin: germline.
Comment: In summary, the available evidence is currently insufficient to determine the role of this variant in disease. Therefore, it has been classified as a Variant of Uncertain Significance. Algorithms developed to predict the effect of missense changes on protein structure and function (SIFT, PolyPhen-2, Align-GVGD) all suggest that this variant is likely to be tolerated. This variant has not been reported in the literature in individuals affected with PEX12-related conditions. This variant is not present in population databases (gnomAD no frequency). This sequence change replaces histidine, which is basic and polar, with tyrosine, which is neutral and polar, at codon 336 of the PEX12 protein (p.His336Tyr).